The following is an entry in ClinVar:

ClinVar aggregate classification (germline): Uncertain significance (1 of 4 stars; one submission).

Conditions:
Hereditary cancer-predisposing syndrome. Also called: Hereditary Cancer Syndrome; Neoplastic Syndromes, Hereditary; Tumor predisposition; Hereditary neoplastic syndrome. Identifiers: Orphanet 140162, MedGen C0027672, MeSH D009386, MONDO:0015356.

Submission:

Ambry Genetics
Classification: Uncertain significance for Hereditary cancer-predisposing syndrome. Last evaluated: 2020-08-20. Review status: criteria provided, single submitter. Criteria: Ambry Variant Classification Scheme 2023. Collection method: clinical testing. Allele origin: germline.
Comment: The p.V1641E variant (also known as c.4922T>A), located in coding exon 15 of the APC gene, results from a T to A substitution at nucleotide position 4922. The valine at codon 1641 is replaced by glutamic acid, an amino acid with dissimilar properties. This amino acid position is well conserved in available vertebrate species. In addition, in silico predictors for this gene do not accurately predict pathogenicity. Since supporting evidence is limited at this time, the clinical significance of this alteration remains unclear.

NM_000038.6(APC):c.4922T>A (p.Val1641Glu)

Gene: APC (APC regulator of Wnt signaling pathway; plus strand). Cytogenetic location: 5q22.2.
Variant type: single nucleotide variant.
Coding change: c.4922T>A on transcript NM_000038.6 (MANE Select); coding-DNA position 4922, T replaced by A.
Protein change: p.Val1641Glu; replaces valine 1641 with glutamic acid.
Molecular consequence: missense variant.
Genome position (GRCh38, 1-based): chr5:112,840,516, T>A. VCF-style: chr5-112840516-T-A. GRCh37 (hg19) VCF-style: chr5-112176213-T-A.
Other names: c.4922T>A, p.Val1641Glu (NM_001127510.3, NM_001354895.2, NM_001407450.1); c.4868T>A, p.Val1623Glu (NM_001127511.3); c.4976T>A, p.Val1659Glu (NM_001354896.2, NM_001407447.1, NM_001407448.1 and 1 more transcripts); c.4952T>A, p.Val1651Glu (NM_001354897.2); c.4847T>A, p.Val1616Glu (NM_001354898.2); c.4838T>A, p.Val1613Glu (NM_001354899.2); c.4799T>A, p.Val1600Glu (NM_001354900.2); c.4745T>A, p.Val1582Glu (NM_001354901.2, NM_001407453.1); and 11 more; short protein forms V1257E, V1512E, V1550E, V1558E, V1623E, V1631E, V1634E, V1515E.
Identifiers: ClinVar variation 1744138 (VCV001744138.2), dbSNP rs2149927467, ClinGen allele CA16032111.